The following is an entry in ClinVar:

NM_001372.4(DNAH9):c.9629C>T (p.Ala3210Val)

Gene: DNAH9 (dynein axonemal heavy chain 9; plus strand). Cytogenetic location: 17p12.
Variant type: single nucleotide variant.
Coding change: c.9629C>T on transcript NM_001372.4 (MANE Select); coding-DNA position 9629, C replaced by T.
Protein change: p.Ala3210Val; replaces alanine 3210 with valine.
Molecular consequence: missense variant.
Genome position (GRCh38, 1-based): chr17:11,854,124, C>T. VCF-style: chr17-11854124-C-T. GRCh37 (hg19) VCF-style: chr17-11757441-C-T.
Other names: short protein forms A3210V.
Identifiers: ClinVar variation 1958326 (VCV001958326.4), dbSNP rs1385089946, ClinGen allele CA398191830.

ClinVar aggregate classification (germline): Uncertain significance (1 of 4 stars; one submission).

Allele frequency attached by ClinVar (database versions not stated): gnomAD 0.00001; TOPMed 0.00002.
gnomAD v4.1: 2 of 1,614,072 alleles (0.00012%); highest among the groups gnomAD compares: Admixed American, 0.0033%; no homozygotes.

Submission:

Labcorp Genetics (formerly Invitae), Labcorp
Classification: Uncertain significance. Last evaluated: 2025-09-30. Review status: criteria provided, single submitter. Criteria: Invitae Variant Classification Sherloc (09022015). Collection method: clinical testing. Allele origin: germline.
Comment: This sequence change replaces alanine, which is neutral and non-polar, with valine, which is neutral and non-polar, at codon 3210 of the DNAH9 protein (p.Ala3210Val). This variant is not present in population databases (gnomAD no frequency). This variant has not been reported in the literature in individuals affected with DNAH9-related conditions. ClinVar contains an entry for this variant (Variation ID: 1958326). Invitae Evidence Modeling of protein sequence and biophysical properties (such as structural, functional, and spatial information, amino acid conservation, physicochemical variation, residue mobility, and thermodynamic stability) indicates that this missense variant is expected to disrupt DNAH9 protein function with a positive predictive value of 80%. In summary, the available evidence is currently insufficient to determine the role of this variant in disease. Therefore, it has been classified as a Variant of Uncertain Significance.